The following is an entry in ClinVar:

NM_080764.4(ZNF280B):c.1050G>C (p.Arg350=)

Genes: IGL (immunoglobulin lambda locus; plus strand), ZNF280B (zinc finger protein 280B; minus strand). Cytogenetic location: 22q11.22.
Variant type: single nucleotide variant.
Coding change: c.1050G>C on transcript NM_080764.4 (MANE Select); coding-DNA position 1050, G replaced by C.
Protein change: p.Arg350=; no amino-acid change (arginine 350 retained).
Molecular consequence: synonymous variant. On other transcripts: non-coding transcript variant (1).
Genome position (GRCh38, 1-based): chr22:22,488,349, C>G on the plus strand (G>C on the coding strand, the complement: ZNF280B is on the minus strand). VCF-style: chr22-22488349-C-G. GRCh37 (hg19) VCF-style: chr22-22842674-C-G.
Identifiers: ClinVar variation 4872777 (VCV004872777.2).

ClinVar aggregate classification (germline): Likely benign (1 of 4 stars; one submission).

Submission:

CeGaT Center for Human Genetics Tuebingen
Classification: Likely benign. Last evaluated: 2026-05-01. Review status: criteria provided, single submitter. Criteria: CeGaT Center For Human Genetics Tuebingen Variant Classification Criteria Version 2. Collection method: clinical testing. Allele origin: germline. Affected: yes. Observed: 1 variant allele.
Comment: ZNF280B: PM2:Supporting, BP4, BP7